The following is an entry in ClinVar:

NM_080732.4(EGLN2):c.844G>A (p.Ala282Thr)

Genes: EGLN2 (egl-9 family hypoxia inducible factor 2; plus strand), RAB4B-EGLN2 (RAB4B-EGLN2 readthrough (NMD candidate); plus strand). Cytogenetic location: 19q13.2.
Variant type: single nucleotide variant.
Coding change: c.844G>A on transcript NM_080732.4 (MANE Select); coding-DNA position 844, G replaced by A.
Protein change: p.Ala282Thr; replaces alanine 282 with threonine.
Molecular consequence: missense variant. On other transcripts: non-coding transcript variant (1).
Genome position (GRCh38, 1-based): chr19:40,806,555, G>A. VCF-style: chr19-40806555-G-A. GRCh37 (hg19) VCF-style: chr19-41312460-G-A.
Other names: c.844G>A, p.Ala282Thr (NM_053046.4); short protein forms A282T.
Identifiers: ClinVar variation 1763430 (VCV001763430.2), dbSNP rs2516006319, ClinGen allele CA405956103.
Genomic context (GRCh38, chr19:40,806,555, plus strand): 5'-TGCTTCTCTAAGATGTGCCTGCCTAGCCCCAGTAAACCTACCTCCCTCCATCCCTGCCAG[G>A]CCATGGTGGCGTGTTACCCAGGCAACGGGCTCGGGTACGTAAGGCACGTTGACAATCCCC-3'
Protein context (NP_542770.2, residues 272-292): GSYVINGRTK[Ala282Thr]MVACYPGNGL

ClinVar aggregate classification (germline): Uncertain significance (1 of 4 stars; one submission).

Submission:

Ambry Genetics
Classification: Uncertain significance. Last evaluated: 2022-03-08. Review status: criteria provided, single submitter. Criteria: Ambry Variant Classification Scheme 2023. Collection method: clinical testing. Allele origin: germline.
Comment: The p.A282T variant (also known as c.844G>A) is located in coding exon 2 of the EGLN2 gene. The alanine at codon 282 is replaced by threonine, an amino acid with similar properties. This change occurs in the first base pair of coding exon 2. This amino acid position is conserved. In addition, this alteration is predicted to be deleterious by in silico analysis. Since supporting evidence is limited at this time, the clinical significance of this alteration remains unclear.